The following is an entry in ClinVar:

ClinVar aggregate classification (germline): Pathogenic (1 of 4 stars; one submission).

Submission:

Labcorp Genetics (formerly Invitae), Labcorp
Classification: Pathogenic. Last evaluated: 2023-12-27. Review status: criteria provided, single submitter. Criteria: Invitae Variant Classification Sherloc (09022015). Collection method: clinical testing. Allele origin: germline.
Comment: This sequence change creates a premature translational stop signal (p.Arg904Aspfs*31) in the ASPM gene. It is expected to result in an absent or disrupted protein product. Loss-of-function variants in ASPM are known to be pathogenic (PMID: 19028728, 23611254). This variant is not present in population databases (gnomAD no frequency). This variant has not been reported in the literature in individuals affected with ASPM-related conditions. For these reasons, this variant has been classified as Pathogenic.

Literature cited by the submitters: PubMed 19028728; PubMed 23611254.

NM_018136.5(ASPM):c.2710del (p.Arg904fs)

Gene: ASPM (assembly factor for spindle microtubules; minus strand). Cytogenetic location: 1q31.3.
Variant type: Deletion.
Coding change: c.2710del on transcript NM_018136.5 (MANE Select); coding-DNA position 2710, one base deleted (A; older notation c.2710delA).
Protein change: p.Arg904fs; shifts the reading frame from arginine 904.
Molecular consequence: frameshift variant.
Genome position (GRCh38, 1-based): chr1:197,129,237, T deleted on the plus strand (A on the coding strand, the reverse complement: ASPM is on the minus strand). VCF-style (leftmost placement, unchanged base first): chr1-197129236-CT-C. GRCh37 (hg19) VCF-style: chr1-197098366-CT-C.
Other names: c.2710del, p.Arg904fs (NM_001206846.2); short protein forms R904fs.
Identifiers: ClinVar variation 2784690 (VCV002784690.3), dbSNP rs2527366256, ClinGen allele CA2739275493.